The following is an entry in ClinVar:

NM_004329.3(BMPR1A):c.916del (p.Tyr306fs)

Gene: BMPR1A (bone morphogenetic protein receptor type 1A; plus strand). Cytogenetic location: 10q23.2.
Variant type: Deletion.
Coding change: c.916del on transcript NM_004329.3 (MANE Select); coding-DNA position 916, one base deleted (T; older notation c.916delT).
Protein change: p.Tyr306fs; shifts the reading frame from tyrosine 306.
Molecular consequence: frameshift variant. On other transcripts: non-coding transcript variant (3).
Genome position (GRCh38, 1-based): chr10:86,919,219, T deleted. VCF-style (leftmost placement, unchanged base first): chr10-86919218-CT-C. GRCh37 (hg19) VCF-style: chr10-88678975-CT-C.
Other names: c.916del, p.Tyr306fs (NM_001406576.1, NM_001406577.1, NM_001406578.1 and 19 more transcripts); c.910del, p.Tyr304fs (NM_001406583.1); c.832del, p.Tyr278fs (NM_001406584.1, NM_001406585.1, NM_001406586.1 and 2 more transcripts); c.574del, p.Tyr192fs (NM_001406589.1); c.991del, p.Tyr331fs (NM_001406559.1); c.964del, p.Tyr322fs (NM_001406560.1); short protein forms Y192fs, Y278fs, Y304fs, Y306fs, Y322fs, Y331fs.
Identifiers: ClinVar variation 3236417 (VCV003236417.2), dbSNP rs2539618159, ClinGen allele CA2499306922.

ClinVar aggregate classification (germline): Likely pathogenic (1 of 4 stars; one submission).

Conditions:
Juvenile polyposis syndrome (JPS). Identifiers: Orphanet 2929, MedGen C0345893, MONDO:0017380, OMIM 174900.

Submission:

Neuberg Centre For Genomic Medicine, NCGM
Classification: Likely pathogenic for Juvenile polyposis syndrome. Review status: criteria provided, single submitter. Criteria: ACMG Guidelines, 2015. Collection method: clinical testing. Allele origin: germline. Inheritance: Autosomal dominant inheritance. Affected: yes.
Comment: The frameshift c.916delp.Tyr306IlefsTer2 variant has not been reported previously as a pathogenic variant nor as a benign variant, to our knowledge. The p.Tyr306IlefsTer2 variant is novel not in any individuals in gnomAD Exomes and 1000 Genomes. This variant has not been reported to the ClinVar database. This variant causes a frameshift starting with codon Tyrosine 306, changes this amino acid to Isoleucine residue, and creates a premature Stop codon at position 2 of the new reading frame, denoted p.Tyr306IlefsTer2. This variant is predicted to cause loss of normal protein function through protein truncation. Loss of function variants have been previously reported to be disease causing. For these reasons, this variant has been classified as Likely Pathogenic.